The following is an entry in ClinVar:

ClinVar aggregate classification (germline): Uncertain significance (1 of 4 stars; one submission).

Submission:

GeneDx
Classification: Uncertain significance. Last evaluated: 2024-08-08. Review status: criteria provided, single submitter. Criteria: GeneDx Variant Classification Process June 2021. Collection method: clinical testing. Allele origin: germline. Affected: yes.
Comment: Not observed at significant frequency in large population cohorts (gnomAD); In silico analysis indicates that this missense variant does not alter protein structure/function; Has not been previously published as pathogenic or benign to our knowledge

NM_001001331.4(ATP2B2):c.7G>A (p.Asp3Asn)

Gene: ATP2B2 (ATPase plasma membrane Ca2+ transporting 2; minus strand). Cytogenetic location: 3p25.3.
Variant type: single nucleotide variant.
Coding change: c.7G>A on transcript NM_001001331.4 (MANE Select); coding-DNA position 7, G replaced by A.
Protein change: p.Asp3Asn; replaces aspartic acid 3 with asparagine.
Molecular consequence: missense variant.
Genome position (GRCh38, 1-based): chr3:10,449,537, C>T on the plus strand (G>A on the coding strand, the complement: ATP2B2 is on the minus strand). VCF-style: chr3-10449537-C-T. GRCh37 (hg19) VCF-style: chr3-10491221-C-T.
Other names: c.7G>A, p.Asp3Asn (NM_001330611.3, NM_001353564.1, NM_001363862.1 and 1 more transcripts); short protein forms D3N.
Identifiers: ClinVar variation 3602882 (VCV003602882.1).